The following is an entry in ClinVar:

NM_139057.4(ADAMTS17):c.544C>T (p.Arg182Cys)

Gene: ADAMTS17 (ADAM metallopeptidase with thrombospondin type 1 motif 17; minus strand). Cytogenetic location: 15q26.3.
Variant type: single nucleotide variant.
Coding change: c.544C>T on transcript NM_139057.4 (MANE Select); coding-DNA position 544, C replaced by T.
Protein change: p.Arg182Cys; replaces arginine 182 with cysteine.
Molecular consequence: missense variant.
Genome position (GRCh38, 1-based): chr15:100,330,961, G>A on the plus strand (C>T on the coding strand, the complement: ADAMTS17 is on the minus strand). VCF-style: chr15-100330961-G-A. GRCh37 (hg19) VCF-style: chr15-100871166-G-A.
Other names: short protein forms R182C.
Identifiers: ClinVar variation 1412570 (VCV001412570.7), dbSNP rs377263842, ClinGen allele CA7758696.
Genomic context (GRCh38, chr15:100,330,961, plus strand): 5'-TGCAGAGCTGCTCAGGTCTCTGGGCCTCAGCAGAAGGGCTGGGGGTCAAGGACCATTTGC[G>A]CCTGATCAGATGTTCTCGTCCACTGAATGGGCCCTGGGAGTTGTTGAGGGGCTGGATTAG-3'
Protein context (NP_620688.2, residues 172-192): PFSGREHLIR[Arg182Cys]KWSLTPSPSA

ClinVar aggregate classification (germline): Uncertain significance. Review status: criteria provided, multiple submitters, no conflicts (2 of 4 stars). 2 submissions from 2 submitters: Uncertain significance (2). Last evaluated 2025-12-16.

Allele frequency attached by ClinVar (database versions not stated): gnomAD exomes 0.00006 and 0.00027; ExAC 0.00007; ESP Exome Variant Server 0.00015.
gnomAD v4.1: 402 of 1,613,984 alleles (0.025%); highest among the groups gnomAD compares: Non-Finnish European, 0.033%; no homozygotes.

Submissions (2):

Labcorp Genetics (formerly Invitae), Labcorp
Classification: Uncertain significance. Last evaluated: 2025-12-16. Review status: criteria provided, single submitter. Criteria: Invitae Variant Classification Sherloc (09022015). Collection method: clinical testing. Allele origin: germline.
Comment: This sequence change replaces arginine, which is basic and polar, with cysteine, which is neutral and slightly polar, at codon 182 of the ADAMTS17 protein (p.Arg182Cys). This variant is present in population databases (rs377263842, gnomAD 0.02%). This variant has not been reported in the literature in individuals affected with ADAMTS17-related conditions. ClinVar contains an entry for this variant (Variation ID: 1412570). An algorithm developed to predict the effect of missense changes on protein structure and function (PolyPhen-2) suggests that this variant is likely to be disruptive. In summary, the available evidence is currently insufficient to determine the role of this variant in disease. Therefore, it has been classified as a Variant of Uncertain Significance.

Blueprint Genetics
Classification: Uncertain significance. Last evaluated: 2023-09-18. Review status: criteria provided, single submitter. Criteria: ACMG Guidelines, 2015. Collection method: clinical testing. Allele origin: germline.